The following is an entry in ClinVar:

ClinVar aggregate classification (germline): Uncertain significance. Review status: criteria provided, single submitter (1 of 4 stars). 2 submissions from 2 submitters: Uncertain significance (1). 1 of the submissions does not count toward it.

Conditions:
KBG syndrome (KBGS). Also called: ANKRD11-Related KBG Syndrome. Identifiers: Orphanet 2332, MedGen C0220687, MONDO:0007846, OMIM 148050.
ANKRD11-related disorder. Also called: ANKRD11-related condition.

Allele frequency attached by ClinVar (database versions not stated): gnomAD exomes below 0.00001.
gnomAD v4.1: 3 of 1,613,698 alleles (0.00019%); highest among the groups gnomAD compares: Admixed American, 0.0017%; no homozygotes.

Submissions (2):

Genome Medicine, Institute for Basic Research in Developmental Disabilities
Classification: Uncertain significance for KBG syndrome. Review status: criteria provided, single submitter. Criteria: ACMG Guidelines, 2015. Collection method: clinical testing. Allele origin: maternal. Affected: yes. Observed: 3 variant alleles.
Comment: VUS- possible KBG syndrome

PreventionGenetics, part of Exact Sciences
Classification: Uncertain significance for ANKRD11-related condition. Last evaluated: 2024-02-09. Review status: no assertion criteria provided. Collection method: clinical testing. Allele origin: germline. Not counted in ClinVar's aggregate classification.
Comment: The ANKRD11 c.1756G>A variant is predicted to result in the amino acid substitution p.Val586Met. This variant was reported in an individuals from a KBG syndrome cohort (Guo et al 2022. PubMed ID: 35970914). This variant is reported in 0.0029% of alleles in individuals of Latino descent in gnomAD. In ClinVar, this variant has been interpreted as uncertain. At this time, the clinical significance of this variant is uncertain due to the absence of conclusive functional and genetic evidence.

Literature cited by the submitters: PubMed 35970914 (cited by Genome Medicine, Institute for Basic Research in Developmental Disabilities).

NM_013275.6(ANKRD11):c.1756G>A (p.Val586Met)

Gene: ANKRD11 (ankyrin repeat domain 11; minus strand). Cytogenetic location: 16q24.3.
Variant type: single nucleotide variant.
Coding change: c.1756G>A on transcript NM_013275.6 (MANE Select); coding-DNA position 1756, G replaced by A.
Protein change: p.Val586Met; replaces valine 586 with methionine.
Molecular consequence: missense variant.
Genome position (GRCh38, 1-based): chr16:89,284,786, C>T on the plus strand (G>A on the coding strand, the complement: ANKRD11 is on the minus strand). VCF-style: chr16-89284786-C-T. GRCh37 (hg19) VCF-style: chr16-89351194-C-T.
Other names: c.1756G>A, p.Val586Met (NM_001256182.2, NM_001256183.2); c.1756G>A (NM_013275.5); short protein forms V586M.
Identifiers: ClinVar variation 1701024 (VCV001701024.4), dbSNP rs1348447346, ClinGen allele CA397164070.